The following is an entry in ClinVar:

ClinVar aggregate classification (germline): Pathogenic (1 of 4 stars; one submission).

Conditions:
Myopathy, proximal, and ophthalmoplegia (CMYO6). Also called: MYOPATHY WITH CONGENITAL JOINT CONTRACTURES, OPHTHALMOPLEGIA, AND RIMMED VACUOLES; CONGENITAL MYOPATHY 6 WITH OPHTHALMOPLEGIA; INCLUSION BODY MYOPATHY 3, AUTOSOMAL DOMINANT. Identifiers: Orphanet 363677, Orphanet 79091, MedGen C1854106, MONDO:0011577, OMIM 605637.

gnomAD v4.1: 23 of 1,614,086 alleles (0.0014%); highest among the groups gnomAD compares: Non-Finnish European, 0.0018%; no homozygotes.

Submission:

Labcorp Genetics (formerly Invitae), Labcorp
Classification: Pathogenic for Myopathy, proximal, and ophthalmoplegia. Last evaluated: 2022-03-08. Review status: criteria provided, single submitter. Criteria: Invitae Variant Classification Sherloc (09022015). Collection method: clinical testing. Allele origin: germline.
Comment: For these reasons, this variant has been classified as Pathogenic. This variant has not been reported in the literature in individuals affected with MYH2-related conditions. This variant is not present in population databases (gnomAD no frequency). This sequence change creates a premature translational stop signal (p.Gln1604*) in the MYH2 gene. It is expected to result in an absent or disrupted protein product. Loss-of-function variants in MYH2 are known to be pathogenic (PMID: 20418530, 23388406, 24193343).

Literature cited by the submitters: PubMed 20418530; PubMed 23388406; PubMed 24193343.

NM_017534.6(MYH2):c.4810C>T (p.Gln1604Ter)

Genes: MYHAS (myosin heavy chain gene cluster antisense RNA; plus strand), MYH2 (myosin heavy chain 2; minus strand), LOC126862500 (BRD4-independent group 4 enhancer GRCh37_chr17:10427829-10429028; plus strand). Cytogenetic location: 17p13.1.
Variant type: single nucleotide variant.
Coding change: c.4810C>T on transcript NM_017534.6 (MANE Select); coding-DNA position 4810, C replaced by T.
Protein change: p.Gln1604Ter; replaces glutamine 1604 with a stop codon.
Molecular consequence: nonsense.
Genome position (GRCh38, 1-based): chr17:10,524,918, G>A on the plus strand (C>T on the coding strand, the complement: MYH2 is on the minus strand). VCF-style: chr17-10524918-G-A. GRCh37 (hg19) VCF-style: chr17-10428235-G-A.
Other names: c.4810C>T, p.Gln1604Ter (NM_001100112.2); short protein forms Q1604*.
Identifiers: ClinVar variation 1374776 (VCV001374776.4), dbSNP rs772613828, ClinGen allele CA398121577.